The following is an entry in ClinVar:

NM_015270.5(ADCY6):c.678C>T (p.Gly226=)

Gene: ADCY6 (adenylate cyclase 6; minus strand). Cytogenetic location: 12q13.12.
Variant type: single nucleotide variant.
Coding change: c.678C>T on transcript NM_015270.5 (MANE Select); coding-DNA position 678, C replaced by T.
Protein change: p.Gly226=; no amino-acid change (glycine 226 retained).
Molecular consequence: synonymous variant. On other transcripts: non-coding transcript variant (1).
Genome position (GRCh38, 1-based): chr12:48,782,757, G>A on the plus strand (C>T on the coding strand, the complement: ADCY6 is on the minus strand). VCF-style: chr12-48782757-G-A. GRCh37 (hg19) VCF-style: chr12-49176540-G-A.
Other names: c.678C>T, p.Gly226= (NM_001390830.1, NM_001390831.2, NM_001412819.1 and 3 more transcripts).
Identifiers: ClinVar variation 3057934 (VCV003057934.2), dbSNP rs374675749, ClinGen allele CA6541529.

ClinVar aggregate classification (germline): Likely benign (0 of 4 stars; one submission).

Conditions:
ADCY6-related disorder. Also called: ADCY6-related condition.

Allele frequency attached by ClinVar (database versions not stated): gnomAD 0.00001; gnomAD exomes 0.00001; TOPMed 0.00002; ExAC 0.00006; ESP Exome Variant Server 0.00008.
gnomAD v4.1: 9 of 1,609,392 alleles (0.00056%); highest among the groups gnomAD compares: East Asian, 0.013%; no homozygotes.

Submission:

PreventionGenetics, part of Exact Sciences
Classification: Likely benign for ADCY6-related condition. Last evaluated: 2019-02-22. Review status: no assertion criteria provided. Collection method: clinical testing. Allele origin: germline.
Comment: This variant is classified as likely benign based on ACMG/AMP sequence variant interpretation guidelines (Richards et al. 2015 PMID: 25741868, with internal and published modifications).